The following is an entry in ClinVar:

NM_014804.3(KIAA0753):c.2088G>A (p.Gln696=)

Gene: KIAA0753 (KIAA0753; minus strand). Cytogenetic location: 17p13.1.
Variant type: single nucleotide variant.
Coding change: c.2088G>A on transcript NM_014804.3 (MANE Select); coding-DNA position 2088, G replaced by A.
Protein change: p.Gln696=; no amino-acid change (glutamine 696 retained).
Molecular consequence: synonymous variant. On other transcripts: non-coding transcript variant (3).
Genome position (GRCh38, 1-based): chr17:6,600,380, C>T on the plus strand (G>A on the coding strand, the complement: KIAA0753 is on the minus strand). VCF-style: chr17-6600380-C-T. GRCh37 (hg19) VCF-style: chr17-6503700-C-T.
Other names: c.1191G>A, p.Gln397= (NM_001351225.2).
Identifiers: ClinVar variation 1487996 (VCV001487996.6), dbSNP rs959800010, ClinGen allele CA287347358.

ClinVar aggregate classification (germline): Uncertain significance (1 of 4 stars; one submission).

Allele frequency attached by ClinVar (database versions not stated): gnomAD exomes 0.00001; TOPMed 0.00001.
gnomAD v4.1: 9 of 1,612,650 alleles (0.00056%); highest among the groups gnomAD compares: Non-Finnish European, 0.00076%; no homozygotes.

Submission:

Labcorp Genetics (formerly Invitae), Labcorp
Classification: Uncertain significance. Last evaluated: 2023-08-24. Review status: criteria provided, single submitter. Criteria: Invitae Variant Classification Sherloc (09022015). Collection method: clinical testing. Allele origin: germline.
Comment: This sequence change affects codon 696 of the KIAA0753 mRNA. It is a 'silent' change, meaning that it does not change the encoded amino acid sequence of the KIAA0753 protein. This variant also falls at the last nucleotide of exon 13, which is part of the consensus splice site for this exon. In summary, the available evidence is currently insufficient to determine the role of this variant in disease. Therefore, it has been classified as a Variant of Uncertain Significance. Variants that disrupt the consensus splice site are a relatively common cause of aberrant splicing (PMID: 17576681, 9536098). Algorithms developed to predict the effect of sequence changes on RNA splicing suggest that this variant may disrupt the consensus splice site. ClinVar contains an entry for this variant (Variation ID: 1487996). This variant has not been reported in the literature in individuals affected with KIAA0753-related conditions. This variant is present in population databases (no rsID available, gnomAD 0.002%).

Literature cited by the submitters: PubMed 17576681; PubMed 9536098.